The following is an entry in ClinVar:

ClinVar aggregate classification (germline): Uncertain significance (1 of 4 stars; one submission).

Conditions:
Hereditary breast ovarian cancer syndrome. Also called: Hereditary breast and ovarian cancer syndrome (HBOC); Hereditary breast and ovarian cancer syndrome; Breast and ovarian cancer; BRCA1- and BRCA2-Associated Hereditary Breast and Ovarian Cancer; Hereditary breast and ovarian cancer; Hereditary breast and/or ovarian cancer syndrome. Identifiers: Orphanet 145, MedGen C0677776, MeSH D061325, MONDO:0003582. Disease mechanism: loss of function.

Submission:

Labcorp Genetics (formerly Invitae), Labcorp
Classification: Uncertain significance for Hereditary breast ovarian cancer syndrome. Last evaluated: 2023-04-10. Review status: criteria provided, single submitter. Criteria: Invitae Variant Classification Sherloc (09022015). Collection method: clinical testing. Allele origin: germline.
Comment: This variant occurs in a non-coding region of the BRCA2 gene. It does not change the encoded amino acid sequence of the BRCA2 protein. This variant is not present in population databases (gnomAD no frequency). This variant has not been reported in the literature in individuals affected with BRCA2-related conditions. In summary, the available evidence is currently insufficient to determine the role of this variant in disease. Therefore, it has been classified as a Variant of Uncertain Significance.

NM_000059.4(BRCA2):c.-29C>G

Gene: BRCA2 (BRCA2 DNA repair associated; plus strand). Cytogenetic location: 13q13.1.
Variant type: single nucleotide variant.
Coding change: c.-29C>G on transcript NM_000059.4 (MANE Select); 29 bases upstream of the start codon, C replaced by G.
Molecular consequence: 5 prime UTR variant. On other transcripts: non-coding transcript variant (1), intron variant (1).
Genome position (GRCh38, 1-based): chr13:32,316,432, C>G. VCF-style: chr13-32316432-C-G. GRCh37 (hg19) VCF-style: chr13-32890569-C-G.
Other names: c.-29C>G (NM_001406719.1, NM_001406720.1, NM_001406721.1); c.-303+765C>G (NM_001406722.1).
Identifiers: ClinVar variation 2853565 (VCV002853565.3), dbSNP rs1270246215, ClinGen allele CA2739277494.
Genomic context (GRCh38, chr13:32,316,432, plus strand): 5'-AATAAGGAATGCATCCCTGTGTAAGTGCATTTTGGTCTTCTGTTTTGCAGACTTATTTAC[C>G]AAGCATTGGAGGAATATCGTAGGTAAAAATGCCTATTGGATCCAAAGAGAGGCCAACATT-3'